The following is an entry in ClinVar:

NM_001846.4(COL4A2):c.4600G>T (p.Ala1534Ser)

Genes: COL4A2 (collagen type IV alpha 2 chain; plus strand), COL4A2-AS1 (COL4A2 antisense RNA 1; minus strand). Cytogenetic location: 13q34.
Variant type: single nucleotide variant.
Coding change: c.4600G>T on transcript NM_001846.4 (MANE Select); coding-DNA position 4600, G replaced by T.
Protein change: p.Ala1534Ser; replaces alanine 1534 with serine.
Molecular consequence: missense variant.
Genome position (GRCh38, 1-based): chr13:110,507,940, G>T. VCF-style: chr13-110507940-G-T. GRCh37 (hg19) VCF-style: chr13-111160287-G-T.
Other names: short protein forms A1534S.
Identifiers: ClinVar variation 2904099 (VCV002904099.3), dbSNP rs760399386, ClinGen allele CA7050611.

ClinVar aggregate classification (germline): Uncertain significance (1 of 4 stars; one submission).

Allele frequency attached by ClinVar (database versions not stated): gnomAD exomes below 0.00001; ExAC 0.00001; gnomAD 0.00001; TOPMed 0.00005.
gnomAD v4.1: 9 of 1,613,224 alleles (0.00056%); highest among the groups gnomAD compares: Admixed American, 0.005%; no homozygotes.

Submission:

Labcorp Genetics (formerly Invitae), Labcorp
Classification: Uncertain significance. Last evaluated: 2024-07-13. Review status: criteria provided, single submitter. Criteria: Invitae Variant Classification Sherloc (09022015). Collection method: clinical testing. Allele origin: germline.
Comment: This sequence change replaces alanine, which is neutral and non-polar, with serine, which is neutral and polar, at codon 1534 of the COL4A2 protein (p.Ala1534Ser). This variant is present in population databases (rs760399386, gnomAD 0.003%). This missense change has been observed in individual(s) with COL4A2-related conditions (PMID: 32912510). Advanced modeling of protein sequence and biophysical properties (such as structural, functional, and spatial information, amino acid conservation, physicochemical variation, residue mobility, and thermodynamic stability) performed at Invitae indicates that this missense variant is not expected to disrupt COL4A2 protein function with a negative predictive value of 95%. In summary, the available evidence is currently insufficient to determine the role of this variant in disease. Therefore, it has been classified as a Variant of Uncertain Significance.

Literature cited by the submitters: PubMed 32912510.